The following is an entry in ClinVar:

ClinVar aggregate classification (germline): Uncertain significance. Review status: criteria provided, multiple submitters, no conflicts (2 of 4 stars). 2 submissions from 2 submitters: Uncertain significance (2). Last evaluated 2023-05-23.

Allele frequency attached by ClinVar (database versions not stated): TOPMed 0.00001.
gnomAD v4.1: 7 of 1,614,134 alleles (0.00043%); highest among the groups gnomAD compares: African/African-American, 0.0013%; no homozygotes.

Submissions (2):

Labcorp Genetics (formerly Invitae), Labcorp
Classification: Uncertain significance. Last evaluated: 2023-05-23. Review status: criteria provided, single submitter. Criteria: Invitae Variant Classification Sherloc (09022015). Collection method: clinical testing. Allele origin: germline.
Comment: This sequence change replaces leucine, which is neutral and non-polar, with phenylalanine, which is neutral and non-polar, at codon 113 of the EFEMP1 protein (p.Leu113Phe). This variant is present in population databases (rs200070678, gnomAD 0.002%). In summary, the available evidence is currently insufficient to determine the role of this variant in disease. Therefore, it has been classified as a Variant of Uncertain Significance. An algorithm developed to predict the effect of missense changes on protein structure and function (PolyPhen-2) suggests that this variant is likely to be tolerated. ClinVar contains an entry for this variant (Variation ID: 866486). This variant has not been reported in the literature in individuals affected with EFEMP1-related conditions.

Blueprint Genetics
Classification: Uncertain significance. Last evaluated: 2018-01-30. Review status: criteria provided, single submitter. Criteria: ACMG Guidelines, 2015. Collection method: clinical testing. Allele origin: germline.

NM_001039348.3(EFEMP1):c.339G>T (p.Leu113Phe)

Gene: EFEMP1 (EGF-like fibulin extracellular matrix protein 1; minus strand). Cytogenetic location: 2p16.1.
Variant type: single nucleotide variant.
Coding change: c.339G>T on transcript NM_001039348.3 (MANE Select); coding-DNA position 339, G replaced by T.
Protein change: p.Leu113Phe; replaces leucine 113 with phenylalanine.
Molecular consequence: missense variant.
Genome position (GRCh38, 1-based): chr2:55,917,843, C>A on the plus strand (G>T on the coding strand, the complement: EFEMP1 is on the minus strand). VCF-style: chr2-55917843-C-A. GRCh37 (hg19) VCF-style: chr2-56144978-C-A.
Other names: c.339G>T, p.Leu113Phe (NM_001039349.3); short protein forms L113F.
Identifiers: ClinVar variation 866486 (VCV000866486.7), dbSNP rs200070678, ClinGen allele CA48129485.